The following is an entry in ClinVar:

ClinVar aggregate classification (germline): Conflicting classifications of pathogenicity. Review status: criteria provided, conflicting classifications (1 of 4 stars). 3 submissions from 3 submitters: Uncertain significance (1); Likely benign (1). 1 of the submissions does not count toward it. Last evaluated 2022-03-29.

Conditions:
Alstrom syndrome (ALMS). Identifiers: Orphanet 64, MedGen C0268425, MONDO:0008763, OMIM 203800.

Submissions (3):

Labcorp Genetics (formerly Invitae), Labcorp
Classification: Uncertain significance for Alstrom syndrome. Last evaluated: 2022-03-29. Review status: criteria provided, single submitter. Criteria: Invitae Variant Classification Sherloc (09022015). Collection method: clinical testing. Allele origin: germline.
Comment: This variant, c.69_70insAAG, results in the insertion of 1 amino acid(s) of the ALMS1 protein (p.Glu23_Glu24insLys), but otherwise preserves the integrity of the reading frame. The frequency data for this variant in the population databases is considered unreliable, as metrics indicate poor data quality at this position in the gnomAD database. This variant has not been reported in the literature in individuals affected with ALMS1-related conditions. Experimental studies and prediction algorithms are not available or were not evaluated, and the functional significance of this variant is currently unknown. In summary, the available evidence is currently insufficient to determine the role of this variant in disease. Therefore, it has been classified as a Variant of Uncertain Significance.

Blueprint Genetics
Classification: Likely benign. Last evaluated: 2021-07-12. Review status: criteria provided, single submitter. Criteria: ACMG Guidelines, 2015. Collection method: clinical testing. Allele origin: germline.

Genetic Services Laboratory, University of Chicago
Classification: Uncertain significance. Last evaluated: 2022-12-21. Review status: no assertion criteria provided. Collection method: clinical testing. Allele origin: germline. Affected: no. Not counted in ClinVar's aggregate classification.
Comment: DNA sequence analysis of the ALMS1 demonstrated two sequence changes. The first sequence change is a 3 base pair insertion in exon 1, c.69_70insAAG. This in-frame insertion is predicted to result in the insertion of one amino acid residue, p.Glu23_Glu24insLys. This insertion does not appear to have been previously described in individuals with ALMS1-related disorders. This sequence change has been described in the gnomAD database with a frequency of 0.05% in the Ashkenazi Jewish subpopulation (dbSNP rs777844728). The functional significance of this sequence change is not known at present and its contribution to this individual's disease phenotype cannot definitively be determined.

NM_001378454.1(ALMS1):c.66_67insAAG (p.Glu22_Glu23insLys)

Gene: ALMS1 (ALMS1 centrosome and basal body associated protein; plus strand). Cytogenetic location: 2p13.1.
Variant type: Insertion.
Coding change: c.66_67insAAG on transcript NM_001378454.1 (MANE Select); coding-DNA positions 66 to 67, AAG inserted.
Protein change: p.Glu22_Glu23insLys.
Molecular consequence: inframe insertion.
Genome position: GRCh38 VCF-style: chr2-73385932-G-GAGA. GRCh37 (hg19) VCF-style: chr2-73613060-G-GAGA.
Other names: c.69_70insAAG, p.Glu23_Glu24insLys (NM_015120.4).
Identifiers: ClinVar variation 2420171 (VCV002420171.6), dbSNP rs777844728, ClinGen allele CA1712729.